The following is an entry in ClinVar:

ClinVar aggregate classification (germline): Likely pathogenic. Review status: criteria provided, multiple submitters, no conflicts (2 of 4 stars). 2 submissions from 2 submitters: Likely pathogenic (2). Last evaluated 2023-08-03.

Conditions:
Luscan-Lumish syndrome. Identifiers: Orphanet 597738, MedGen C4085873, MONDO:0014791, OMIM 616831.
SETD2-related disorder.

Submissions (2):

PreventionGenetics, part of Exact Sciences
Classification: Likely pathogenic for SETD2-related condition. Last evaluated: 2023-08-03. Review status: criteria provided, single submitter. Criteria: ACMG Guidelines, 2015. Collection method: clinical testing. Allele origin: germline.
Comment: The SETD2 c.913dupA variant is predicted to result in a frameshift and premature protein termination (p.Thr305Asnfs*4). To our knowledge, this variant has not been reported in the literature or in a large population database, indicating this variant is rare. Frameshift variants in SETD2 are expected to be pathogenic. This variant is interpreted as likely pathogenic.

3billion
Classification: Likely pathogenic for Luscan-Lumish syndrome. Last evaluated: 2023-06-02. Review status: criteria provided, single submitter. Criteria: ACMG Guidelines, 2015. Collection method: clinical testing. Allele origin: germline. Affected: yes.
Comment: The variant is not observed in the gnomAD v2.1.1 dataset. Predicted Consequence/Location: Frameshift: predicted to result in a loss or disruption of normal protein function through nonsense-mediated decay (NMD) or protein truncation. Multiple pathogenic variants are reported downstream of the variant. Therefore, this variant is classified as Likely pathogenic according to the recommendation of ACMG/AMP guideline.

NM_014159.7(SETD2):c.913dup (p.Thr305fs)

Gene: SETD2 (SET domain containing 2, histone lysine methyltransferase; minus strand). Cytogenetic location: 3p21.31.
Variant type: Duplication.
Coding change: c.913dup on transcript NM_014159.7 (MANE Select); coding-DNA position 913, one base duplicated (A; older notation c.913dupA).
Protein change: p.Thr305fs; shifts the reading frame from threonine 305.
Molecular consequence: frameshift variant. On other transcripts: non-coding transcript variant (1).
Genome position (GRCh38, 1-based): chr3:47,123,723, T duplicated on the plus strand (A on the coding strand, the reverse complement: SETD2 is on the minus strand); the first of 7 consecutive T bases (chr3:47,123,723-47,123,729); duplicating any one gives the same sequence. VCF-style (leftmost placement, unchanged base first): chr3-47123722-G-GT. GRCh37 (hg19) VCF-style: chr3-47165212-G-GT.
Other names: c.913dupA (NM_014159.6); c.781dup, p.Thr261fs (NM_001349370.3); short protein forms T261fs, T305fs.
Identifiers: ClinVar variation 2631426 (VCV002631426.2), dbSNP rs2106710726, ClinGen allele CA645527628.